The following is an entry in ClinVar:

ClinVar aggregate classification (germline): Uncertain significance (1 of 4 stars; one submission).

Conditions:
Bardet-Biedl syndrome (BBS). Identifiers: Orphanet 110, MedGen C0752166, MONDO:0015229.

Submission:

Labcorp Genetics (formerly Invitae), Labcorp
Classification: Uncertain significance for Bardet-Biedl syndrome. Last evaluated: 2025-03-31. Review status: criteria provided, single submitter. Criteria: Invitae Variant Classification Sherloc (09022015). Collection method: clinical testing. Allele origin: germline.
Comment: This sequence change replaces alanine, which is neutral and non-polar, with proline, which is neutral and non-polar, at codon 701 of the BBS2 protein (p.Ala701Pro). This variant is not present in population databases (gnomAD no frequency). This variant has not been reported in the literature in individuals affected with BBS2-related conditions. ClinVar contains an entry for this variant (Variation ID: 1448255). Invitae Evidence Modeling of protein sequence and biophysical properties (such as structural, functional, and spatial information, amino acid conservation, physicochemical variation, residue mobility, and thermodynamic stability) indicates that this missense variant is expected to disrupt BBS2 protein function with a positive predictive value of 80%. In summary, the available evidence is currently insufficient to determine the role of this variant in disease. Therefore, it has been classified as a Variant of Uncertain Significance.

NM_031885.5(BBS2):c.2101G>C (p.Ala701Pro)

Gene: BBS2 (Bardet-Biedl syndrome 2; minus strand). Cytogenetic location: 16q13.
Variant type: single nucleotide variant.
Coding change: c.2101G>C on transcript NM_031885.5 (MANE Select); coding-DNA position 2101, G replaced by C.
Protein change: p.Ala701Pro; replaces alanine 701 with proline.
Molecular consequence: missense variant. On other transcripts: non-coding transcript variant (5).
Genome position (GRCh38, 1-based): chr16:56,484,826, C>G on the plus strand (G>C on the coding strand, the complement: BBS2 is on the minus strand). VCF-style: chr16-56484826-C-G. GRCh37 (hg19) VCF-style: chr16-56518738-C-G.
Other names: c.2101G>C, p.Ala701Pro (NM_001377456.1); short protein forms A701P.
Identifiers: ClinVar variation 1448255 (VCV001448255.6), dbSNP rs2144093137, ClinGen allele CA395972499.